The following is an entry in ClinVar:

ClinVar aggregate classification (germline): Uncertain significance (1 of 4 stars; one submission).

Conditions:
Inborn genetic diseases. Identifiers: MedGen C0950123, MeSH D030342.

Submission:

Ambry Genetics
Classification: Uncertain significance for Inborn genetic diseases. Last evaluated: 2025-08-07. Review status: criteria provided, single submitter. Criteria: Ambry Variant Classification Scheme 2023. Collection method: clinical testing. Allele origin: germline.
Comment: The p.I492T variant (also known as c.1475T>C), located in coding exon 8 of the PIK3CA gene, results from a T to C substitution at nucleotide position 1475. The isoleucine at codon 492 is replaced by threonine, an amino acid with similar properties. This amino acid position is conserved. In addition, the in silico prediction for this alteration is inconclusive. Based on the available evidence, the clinical significance of this variant remains unclear.

NM_006218.4(PIK3CA):c.1475T>C (p.Ile492Thr)

Gene: PIK3CA (phosphatidylinositol-4,5-bisphosphate 3-kinase catalytic subunit alpha; plus strand). Cytogenetic location: 3q26.32.
Variant type: single nucleotide variant.
Coding change: c.1475T>C on transcript NM_006218.4 (MANE Select); coding-DNA position 1475, T replaced by C.
Protein change: p.Ile492Thr; replaces isoleucine 492 with threonine.
Molecular consequence: missense variant.
Genome position (GRCh38, 1-based): chr3:179,210,501, T>C. VCF-style: chr3-179210501-T-C. GRCh37 (hg19) VCF-style: chr3-178928289-T-C.
Other names: short protein forms I492T.
Identifiers: ClinVar variation 4136797 (VCV004136797.1).